The following is an entry in ClinVar:

NM_004369.4(COL6A3):c.9451A>G (p.Lys3151Glu)

Genes: COL6A3 (collagen type VI alpha 3 chain; minus strand), LOC126806573 (CDK7 strongly-dependent group 2 enhancer GRCh37_chr2:238233151-238234350; plus strand). Cytogenetic location: 2q37.3.
Variant type: single nucleotide variant.
Coding change: c.9451A>G on transcript NM_004369.4 (MANE Select); coding-DNA position 9451, A replaced by G.
Protein change: p.Lys3151Glu; replaces lysine 3151 with glutamic acid.
Molecular consequence: missense variant.
Genome position (GRCh38, 1-based): chr2:237,325,602, T>C on the plus strand (A>G on the coding strand, the complement: COL6A3 is on the minus strand). VCF-style: chr2-237325602-T-C. GRCh37 (hg19) VCF-style: chr2-238234245-T-C.
Other names: c.7630A>G, p.Lys2544Glu (NM_057166.5); c.8833A>G, p.Lys2945Glu (NM_057167.4); short protein forms K3151E, K2945E, K2544E.
Identifiers: ClinVar variation 283443 (VCV000283443.16), dbSNP rs371468515, ClinGen allele CA2187270.

ClinVar aggregate classification (germline): Uncertain significance. Review status: criteria provided, multiple submitters, no conflicts (2 of 4 stars). 4 submissions from 4 submitters: Uncertain significance (4). Last evaluated 2025-08-04.

Conditions:
Bethlem myopathy 1A. Also called: Bethlem myopathy 1; MYOPATHY, BENIGN CONGENITAL, WITH CONTRACTURES; Bethlem Muscular Dystrophy. Identifiers: Orphanet 610, MedGen CN029274, MONDO:0024530, OMIM 158810.
Inborn genetic diseases. Identifiers: MedGen C0950123, MeSH D030342.

Allele frequency attached by ClinVar (database versions not stated): gnomAD 0.00001; gnomAD exomes 0.00001 and 0.00004; TOPMed 0.00001; ExAC 0.00002; ESP Exome Variant Server 0.00008.
gnomAD v4.1: 55 of 1,614,114 alleles (0.0034%); highest among the groups gnomAD compares: Non-Finnish European, 0.0047%; no homozygotes.

Submissions (4):

Labcorp Genetics (formerly Invitae), Labcorp
Classification: Uncertain significance for Bethlem myopathy 1A. Last evaluated: 2025-08-04. Review status: criteria provided, single submitter. Criteria: Invitae Variant Classification Sherloc (09022015). Collection method: clinical testing. Allele origin: germline.
Comment: This sequence change replaces lysine, which is basic and polar, with glutamic acid, which is acidic and polar, at codon 3151 of the COL6A3 protein (p.Lys3151Glu). This variant is present in population databases (rs371468515, gnomAD 0.002%). This variant has not been reported in the literature in individuals affected with COL6A3-related conditions. ClinVar contains an entry for this variant (Variation ID: 283443). Invitae Evidence Modeling of protein sequence and biophysical properties (such as structural, functional, and spatial information, amino acid conservation, physicochemical variation, residue mobility, and thermodynamic stability) indicates that this missense variant is not expected to disrupt COL6A3 protein function with a negative predictive value of 95%. In summary, the available evidence is currently insufficient to determine the role of this variant in disease. Therefore, it has been classified as a Variant of Uncertain Significance.

Ambry Genetics
Classification: Uncertain significance for Inborn genetic diseases. Last evaluated: 2024-11-11. Review status: criteria provided, single submitter. Criteria: Ambry Variant Classification Scheme 2023. Collection method: clinical testing. Allele origin: germline.

Revvity Omics, Revvity
Classification: Uncertain significance. Last evaluated: 2023-03-28. Review status: criteria provided, single submitter. Criteria: ACMG Guidelines, 2015. Collection method: clinical testing. Allele origin: germline.

Eurofins Ntd Llc (ga)
Classification: Uncertain significance. Last evaluated: 2017-11-16. Review status: criteria provided, single submitter. Criteria: EGL Classification Definitions 2015. Collection method: clinical testing. Allele origin: germline. Observed: 2 variant alleles, 2 heterozygotes.